The following is an entry in ClinVar:

NM_001148.6(ANK2):c.10370C>T (p.Thr3457Met)

Gene: ANK2 (ankyrin 2; plus strand). Cytogenetic location: 4q26.
Variant type: single nucleotide variant.
Coding change: c.10370C>T on transcript NM_001148.6 (MANE Select); coding-DNA position 10370, C replaced by T.
Protein change: p.Thr3457Met; replaces threonine 3457 with methionine.
Molecular consequence: missense variant. On other transcripts: intron variant (68).
Genome position (GRCh38, 1-based): chr4:113,358,988, C>T. VCF-style: chr4-113358988-C-T. GRCh37 (hg19) VCF-style: chr4-114280144-C-T.
Other names: c.10136C>T, p.Thr3379Met (NM_001386142.1); c.6770C>T, p.Thr2257Met (NM_001386166.1); c.10511C>T, p.Thr3504Met (NM_001386174.1); c.10487C>T, p.Thr3496Met (NM_001386175.1); c.4412-1835C>T (NM_001386186.2, NM_001386148.2); c.4214-1835C>T (NM_001354269.3); c.4292-1835C>T (NM_001386187.2); c.4253-1835C>T (NM_001386147.1); and 36 more; short protein forms T3379M, T3496M, T3457M, T3504M, T2257M.
Identifiers: ClinVar variation 1408309 (VCV001408309.10), dbSNP rs900955620, ClinGen allele CA103817984.

ClinVar aggregate classification (germline): Uncertain significance. Review status: criteria provided, multiple submitters, no conflicts (2 of 4 stars). 3 submissions from 3 submitters: Uncertain significance (3). Last evaluated 2025-10-02.

Conditions:
Cardiovascular phenotype. Identifiers: MedGen CN230736.
Long QT syndrome (LQTS). Identifiers: MedGen C0023976, MeSH D008133, MONDO:0002442. Disease mechanism: loss of function. Inheritance: Various modes of inheritance.
Cardiac arrhythmia, ankyrin-B-related. Also called: ANKYRIN-B SYNDROME. Identifiers: Orphanet 101016, Orphanet 768, MedGen C1970119, MONDO:0010958, OMIM 600919.

Allele frequency attached by ClinVar (database versions not stated): gnomAD exomes below 0.00001; gnomAD 0.00001; TOPMed 0.00001.
gnomAD v4.1: 26 of 1,613,894 alleles (0.0016%); highest among the groups gnomAD compares: Non-Finnish European, 0.002%; no homozygotes.

Submissions (3):

Labcorp Genetics (formerly Invitae), Labcorp
Classification: Uncertain significance for Long QT syndrome. Last evaluated: 2025-10-02. Review status: criteria provided, single submitter. Criteria: Invitae Variant Classification Sherloc (09022015). Collection method: clinical testing. Allele origin: germline.
Comment: This sequence change replaces threonine, which is neutral and polar, with methionine, which is neutral and non-polar, at codon 3457 of the ANK2 protein (p.Thr3457Met). This variant is present in population databases (no rsID available, gnomAD 0.0009%). This variant has not been reported in the literature in individuals affected with ANK2-related conditions. ClinVar contains an entry for this variant (Variation ID: 1408309). An algorithm developed to predict the effect of missense changes on protein structure and function outputs the following: PolyPhen-2: "Benign". The methionine amino acid residue is found in multiple mammalian species, which suggests that this missense change does not adversely affect protein function. In summary, the available evidence is currently insufficient to determine the role of this variant in disease. Therefore, it has been classified as a Variant of Uncertain Significance.

Ambry Genetics
Classification: Uncertain significance for Cardiovascular phenotype. Last evaluated: 2024-03-08. Review status: criteria provided, single submitter. Criteria: Ambry Variant Classification Scheme 2023. Collection method: clinical testing. Allele origin: germline.
Comment: The p.T3457M variant (also known as c.10370C>T), located in coding exon 38 of the ANK2 gene, results from a C to T substitution at nucleotide position 10370. The threonine at codon 3457 is replaced by methionine, an amino acid with similar properties. This amino acid position is conserved. In addition, this alteration is predicted to be tolerated by in silico analysis. Based on the available evidence, the clinical significance of this alteration remains unclear.

Fulgent Genetics
Classification: Uncertain significance for Cardiac arrhythmia, ankyrin-B-related. Last evaluated: 2021-10-31. Review status: criteria provided, single submitter. Criteria: ACMG Guidelines, 2015. Collection method: clinical testing. Allele origin: unknown.